The following is an entry in ClinVar:

ClinVar aggregate classification (germline): Benign. Review status: criteria provided, multiple submitters, no conflicts (2 of 4 stars). 2 submissions from 2 submitters: Benign (2). Last evaluated 2018-06-14.

Allele frequency attached by ClinVar (database versions not stated): gnomAD 0.01599 and 0.01488; 1000 Genomes Project 30x 0.01780; TOPMed 0.01721; 1000 Genomes Project 0.01697; ESP Exome Variant Server 0.01534.
gnomAD v4.1: 4,932 of 1,442,972 alleles (0.34%); highest among the groups gnomAD compares: African/African-American, 5%; 102 homozygotes.

Submissions (3):

GeneDx
Classification: Benign. Last evaluated: 2018-06-14. Review status: criteria provided, single submitter. Criteria: GeneDx Variant Classification (06012015). Collection method: clinical testing. Allele origin: germline. Affected: yes.
Comment: This variant is considered likely benign or benign based on one or more of the following criteria: it is a conservative change, it occurs at a poorly conserved position in the protein, it is predicted to be benign by multiple in silico algorithms, and/or has population frequency not consistent with disease.

Breakthrough Genomics
Classification: Benign. Review status: criteria provided, single submitter. Criteria: ACMG Guidelines, 2015. Collection method: not provided. Allele origin: germline. Inheritance: Autosomal dominant inheritance. Affected: yes.

Dr. Peter K. Rogan Lab, Western University
No classification provided (evidence only). Condition: Ovarian serous cystadenocarcinoma. Review status: no classification provided. Collection method: in vitro. Allele origin: not applicable. Functional consequence: retained intron. Not counted in ClinVar's aggregate classification.

NM_020822.3(KCNT1):c.1338-56G>A

Gene: KCNT1 (potassium sodium-activated channel subfamily T member 1; plus strand). Cytogenetic location: 9q34.3.
Variant type: single nucleotide variant.
Coding change: c.1338-56G>A on transcript NM_020822.3 (MANE Select); 56 bases into the intron before coding-DNA position 1338, G replaced by A.
Molecular consequence: intron variant.
Genome position (GRCh38, 1-based): chr9:135,768,554, G>A. VCF-style: chr9-135768554-G-A. GRCh37 (hg19) VCF-style: chr9-138660400-G-A.
Other names: NC_000009.11:g.138660400G>A; c.1203-56G>A (NM_001272003.2).
Identifiers: ClinVar variation 677377 (VCV000677377.3), dbSNP rs77818758, ClinGen allele CA201467737.